The following is an entry in ClinVar:

ClinVar aggregate classification (germline): Uncertain significance (1 of 4 stars; one submission).

Submission:

GeneDx
Classification: Uncertain significance. Last evaluated: 2022-09-20. Review status: criteria provided, single submitter. Criteria: GeneDx Variant Classification Process June 2021. Collection method: clinical testing. Allele origin: germline. Affected: yes.
Comment: Not observed at significant frequency in large population cohorts (gnomAD); Alters the last nucleotide of the exon and is predicted to destroy the splice donor site but the effect on protein function is unclear; Has not been previously published as pathogenic or benign to our knowledge

NM_052867.4(NALCN):c.1626G>A (p.Arg542=)

Gene: NALCN (sodium leak channel, non-selective; minus strand). Cytogenetic location: 13q33.1.
Variant type: single nucleotide variant.
Coding change: c.1626G>A on transcript NM_052867.4 (MANE Select); coding-DNA position 1626, G replaced by A.
Protein change: p.Arg542=; no amino-acid change (arginine 542 retained).
Molecular consequence: synonymous variant.
Genome position (GRCh38, 1-based): chr13:101,229,393, C>T on the plus strand (G>A on the coding strand, the complement: NALCN is on the minus strand). VCF-style: chr13-101229393-C-T. GRCh37 (hg19) VCF-style: chr13-101881744-C-T.
Other names: c.1626G>A, p.Arg542= (NM_001350748.2, NM_001350749.2); c.1539G>A, p.Arg513= (NM_001350750.2, NM_001350751.2).
Identifiers: ClinVar variation 2444656 (VCV002444656.1), dbSNP rs2502983653, ClinGen allele CA484753876.